The following is an entry in ClinVar:

ClinVar aggregate classification (germline): Pathogenic (1 of 4 stars; one submission).

Submission:

Labcorp Genetics (formerly Invitae), Labcorp
Classification: Pathogenic. Last evaluated: 2025-08-18. Review status: criteria provided, single submitter. Criteria: Invitae Variant Classification Sherloc (09022015). Collection method: clinical testing. Allele origin: germline.
Comment: This sequence change creates a premature translational stop signal (p.Gln1519*) in the RAI1 gene. It is expected to result in an absent or disrupted protein product. Loss-of-function variants in RAI1 are known to be pathogenic (PMID: 21857958, 24715852). This variant is not present in population databases (gnomAD no frequency). This variant has not been reported in the literature in individuals affected with RAI1-related conditions. For these reasons, this variant has been classified as Pathogenic.

Literature cited by the submitters: PubMed 21857958; PubMed 24715852.

NM_030665.4(RAI1):c.4555C>T (p.Gln1519Ter)

Gene: RAI1 (retinoic acid induced 1; plus strand). Cytogenetic location: 17p11.2.
Variant type: single nucleotide variant.
Coding change: c.4555C>T on transcript NM_030665.4 (MANE Select); coding-DNA position 4555, C replaced by T.
Protein change: p.Gln1519Ter; replaces glutamine 1519 with a stop codon.
Molecular consequence: nonsense.
Genome position (GRCh38, 1-based): chr17:17,797,503, C>T. VCF-style: chr17-17797503-C-T. GRCh37 (hg19) VCF-style: chr17-17700817-C-T.
Other names: short protein forms Q1519*.
Identifiers: ClinVar variation 4725669 (VCV004725669.1).